The following is an entry in ClinVar:

ClinVar aggregate classification (germline): Likely benign (1 of 4 stars; one submission).

Allele frequency attached by ClinVar (database versions not stated): gnomAD 0.00011; TOPMed 0.00013; 1000 Genomes Project 30x 0.00016; ESP Exome Variant Server 0.00016; 1000 Genomes Project 0.00020; ExAC 0.00037.
gnomAD v4.1: 294 of 1,613,344 alleles (0.018%); highest among the groups gnomAD compares: South Asian, 0.14%; 2 homozygotes.

Submission:

CeGaT Center for Human Genetics Tuebingen
Classification: Likely benign. Last evaluated: 2022-10-01. Review status: criteria provided, single submitter. Criteria: CeGaT Center For Human Genetics Tuebingen Variant Classification Criteria Version 2. Collection method: clinical testing. Allele origin: germline. Affected: yes. Observed: 1 variant allele.
Comment: ZAN: BP4, BP7

NM_003386.3(ZAN):c.1278C>T (p.Asp426=)

Gene: ZAN (zonadhesin; plus strand). Cytogenetic location: 7q22.1.
Variant type: single nucleotide variant.
Coding change: c.1278C>T on transcript NM_003386.3 (MANE Select); coding-DNA position 1278, C replaced by T.
Protein change: p.Asp426=; no amino-acid change (aspartic acid 426 retained).
Molecular consequence: synonymous variant. On other transcripts: non-coding transcript variant (3).
Genome position (GRCh38, 1-based): chr7:100,750,653, C>T. VCF-style: chr7-100750653-C-T. GRCh37 (hg19) VCF-style: chr7-100348276-C-T.
Other names: c.1278C>T, p.Asp426= (NM_173059.3).
Identifiers: ClinVar variation 2657767 (VCV002657767.24), dbSNP rs201666374, ClinGen allele CA4390035.
Genomic context (GRCh38, chr7:100,750,653, plus strand): 5'-TCTTACCTTGCCTGTTCCCTTCCTTTGCCTAGGGGGTCACTATATCTACCTTGAGGCTGA[C>T]GAGTTCTCCCAGGCAGGCCAGTCAGTCAGACTGGTGAGCCGGCCCTTCTGCGCCCCAGGT-3'
Protein context (NP_003377.2, residues 416-436): AGGHYIYLEA[Asp426=]EFSQAGQSVR